The following is an entry in ClinVar:

NM_006005.3(WFS1):c.676C>T (p.Gln226Ter)

Gene: WFS1 (wolframin ER transmembrane glycoprotein; plus strand). Cytogenetic location: 4p16.1.
Variant type: single nucleotide variant.
Coding change: c.676C>T on transcript NM_006005.3 (MANE Select); coding-DNA position 676, C replaced by T.
Protein change: p.Gln226Ter; replaces glutamine 226 with a stop codon.
Molecular consequence: nonsense.
Genome position (GRCh38, 1-based): chr4:6,291,961, C>T. VCF-style: chr4-6291961-C-T. GRCh37 (hg19) VCF-style: chr4-6293688-C-T.
Other names: c.676C>T, p.Gln226Ter (NM_001145853.1); short protein forms Q226*.
Identifiers: ClinVar variation 4516 (VCV000004516.5), dbSNP rs104893880, ClinGen allele CA253192.
Genomic context (GRCh38, chr4:6,291,961, plus strand): 5'-ACCCTGTCCCCTGCAGATGGAGGGGCGCAGCCAGGCCCCGTGCCCAAGTCCCTGCAGAAG[C>T]AGAGGCGCATGCTGGAGCGCCTGGTCAGCAGCGAGTGTGAGTGCAGCCCCTGCCCCGTCT-3'

ClinVar aggregate classification (germline): Pathogenic/Likely pathogenic. Review status: criteria provided, multiple submitters, no conflicts (2 of 4 stars). 3 submissions from 3 submitters: Pathogenic (1); Likely pathogenic (1). 1 of the submissions does not count toward it. Last evaluated 2019-03-26.

Conditions:
WFS1-related disorder. Identifiers: MedGen CN379391, MONDO:0700293.
Wolfram syndrome 1 (WFS1). Identifiers: Orphanet 3463, MedGen C4551693, MONDO:0009101, OMIM 222300.

Allele frequency attached by ClinVar (database versions not stated): ExAC below 0.00001; gnomAD exomes below 0.00001; TOPMed below 0.00001.

Submissions (3):

Blueprint Genetics
Classification: Likely pathogenic for WFS1-related disorders. Last evaluated: 2019-03-26. Review status: criteria provided, single submitter. Criteria: ACMG Guidelines, 2015. Collection method: clinical testing. Allele origin: germline. Affected: yes. Observed: 1 variant allele.

Clinical Genomics, Uppaluri K&H Personalized Medicine Clinic
Classification: Pathogenic for Wolfram syndrome 1. Review status: criteria provided, single submitter. Criteria: K & H Uppaluri Personalized Medicine Clinic Variant Classification & Assertion Criteria_Updated V.1. Collection method: research. Allele origin: unknown. Inheritance: Autosomal recessive inheritance.
Comment: Potent mutations in WFS1 gene are associated with Wolfram's syndrome, an autosomal recessive condition, which cause diabetes mellitus, diabetes insipidus, deafness and optic atrophy. However no sufficient evidence is found to ascertain the role of this particular variant rs104893880 in Wolfram's syndrome yet.

OMIM
Classification: Pathogenic for WOLFRAM SYNDROME 1. Last evaluated: 1998-12-01. Review status: no assertion criteria provided. Collection method: literature only. Allele origin: germline. Not counted in ClinVar's aggregate classification.

Literature cited by the submitters: PubMed 20738327 (cited by Clinical Genomics, Uppaluri K&H Personalized Medicine Clinic); PubMed 33879153 (cited by Clinical Genomics, Uppaluri K&H Personalized Medicine Clinic); PubMed 12955714 (cited by Clinical Genomics, Uppaluri K&H Personalized Medicine Clinic); PubMed 18060660 (cited by Clinical Genomics, Uppaluri K&H Personalized Medicine Clinic); PubMed 20301750 (cited by Clinical Genomics, Uppaluri K&H Personalized Medicine Clinic); PubMed 17603484 (cited by Clinical Genomics, Uppaluri K&H Personalized Medicine Clinic); PubMed 9817917 (cited by OMIM).